The following is an entry in ClinVar:

ClinVar aggregate classification (germline): Uncertain significance (1 of 4 stars; one submission).

gnomAD v4.1: 1 of 1,199,401 alleles (0.000083%); highest among the groups gnomAD compares: Non-Finnish European, 0.00011%; no homozygotes.

Submission:

GeneDx
Classification: Uncertain significance. Last evaluated: 2025-06-28. Review status: criteria provided, single submitter. Criteria: GeneDx Variant Classification Process June 2021. Collection method: clinical testing. Allele origin: germline.
Comment: Not observed at significant frequency in large population cohorts (gnomAD); In silico analysis suggests that this missense variant does not alter protein structure/function; Has not been previously published as pathogenic or benign to our knowledge

NM_001079872.2(CUL4B):c.1421A>G (p.Gln474Arg)

Gene: CUL4B (cullin 4B; minus strand). Cytogenetic location: Xq24.
Variant type: single nucleotide variant.
Coding change: c.1421A>G on transcript NM_001079872.2 (MANE Select); coding-DNA position 1421, A replaced by G.
Protein change: p.Gln474Arg; replaces glutamine 474 with arginine.
Molecular consequence: missense variant.
Genome position (GRCh38, 1-based): chrX:120,541,624, T>C on the plus strand (A>G on the coding strand, the complement: CUL4B is on the minus strand). VCF-style: chrX-120541624-T-C. GRCh37 (hg19) VCF-style: chrX-119675479-T-C.
Other names: c.1436A>G, p.Gln479Arg (NM_001330624.2); c.887A>G, p.Gln296Arg (NM_001369145.1); c.1475A>G, p.Gln492Arg (NM_003588.4); short protein forms Q296R, Q474R, Q479R, Q492R.
Identifiers: ClinVar variation 3364365 (VCV003364365.2).